The following is an entry in ClinVar:

NM_001042492.3(NF1):c.1683G>A (p.Trp561Ter)

Gene: NF1 (neurofibromin 1; plus strand). Cytogenetic location: 17q11.2.
Variant type: single nucleotide variant.
Coding change: c.1683G>A on transcript NM_001042492.3 (MANE Select); coding-DNA position 1683, G replaced by A.
Protein change: p.Trp561Ter; replaces tryptophan 561 with a stop codon.
Molecular consequence: nonsense.
Genome position (GRCh38, 1-based): chr17:31,221,891, G>A. VCF-style: chr17-31221891-G-A. GRCh37 (hg19) VCF-style: chr17-29548909-G-A.
Other names: c.1683G>A, p.Trp561Ter (NM_000267.4, NM_001128147.3); short protein forms W561*.
Identifiers: ClinVar variation 431596 (VCV000431596.8), dbSNP rs1135402820, ClinGen allele CA399002298.

ClinVar aggregate classification (germline): Pathogenic. Review status: criteria provided, multiple submitters, no conflicts (2 of 4 stars). 5 submissions from 5 submitters: Pathogenic (4). 1 of the submissions does not count toward it. Last evaluated 2026-04-13.

Conditions:
NF1-related disorder. Also called: NF1-related condition. Identifiers: MedGen CN379171.
Hereditary cancer-predisposing syndrome. Also called: Hereditary Cancer Syndrome; Hereditary neoplastic syndrome; Neoplastic Syndromes, Hereditary; Tumor predisposition. Identifiers: Orphanet 140162, MedGen C0027672, MeSH D009386, MONDO:0015356.
Cardiovascular phenotype. Identifiers: MedGen CN230736.
Neurofibromatosis, type 1 (NF1). Also called: Neurofibromatosis, type I; Peripheral type neurofibromatosis; VON RECKLINGHAUSEN DISEASE; NEUROFIBROMATOSIS, TYPE I, SOMATIC. Identifiers: Orphanet 636, MedGen C0027831, MONDO:0018975, OMIM 162200. Disease mechanism: loss of function.

Submissions (5):

Ambry Genetics
Classification: Pathogenic for Cardiovascular phenotype; Hereditary cancer-predisposing syndrome. Last evaluated: 2026-04-13. Review status: criteria provided, single submitter. Criteria: Ambry Variant Classification Scheme 2023. Collection method: clinical testing. Allele origin: germline.
Comment: The p.W561* pathogenic mutation (also known as c.1683G>A), located in coding exon 15 of the NF1 gene, results from a G to A substitution at nucleotide position 1683. This changes the amino acid from a tryptophan to a stop codon within coding exon 15. This variant was reported in individual(s) with features consistent with neurofibromatosis type 1 (Bonatti F et al. Int J Mol Sci, 2017 Sep;18; Frayling IM et al. J Med Genet, 2019 Apr;56:209-219; Kang E et al. J Hum Genet, 2020 Jan;65:79-89; Ambry internal data). This variant is considered to be rare based on population cohorts in the Genome Aggregation Database (gnomAD). This variant is expected to result in loss of function by premature protein truncation or nonsense-mediated mRNA decay. As such, this variant is interpreted as a disease-causing mutation.

Victorian Clinical Genetics Services, Murdoch Childrens Research Institute
Classification: Pathogenic for Neurofibromatosis, type 1. Last evaluated: 2024-10-11. Review status: criteria provided, single submitter. Criteria: ACMG Guidelines, 2015. Collection method: clinical testing. Allele origin: germline. Inheritance: Autosomal dominant inheritance. Affected: yes.
Comment: Based on the classification scheme VCGS_Germline_v1.3.5, this variant is classified as Pathogenic. Following criteria are met: 0102 - Loss of function is a known mechanism of disease in this gene and is associated juvenile myelomonocytic leukemia (MIM#607785), familial spinal neurofibromatosis (MIM#162210), neurofibromatosis, type 1 (MIM#162200), neurofibromatosis-Noonan syndrome (MIM#601321) and Watson syndrome (MIM#193520). (I) 0107 - This gene is associated with autosomal dominant disease. (I) 0115 - Variants in this gene are known to have variable expressivity. Disease manifestation can be extremely variable, even within a family (PMID: 20301288). (I) 0201 - Variant is predicted to cause nonsense-mediated decay (NMD) and loss of protein (premature termination codon is located at least 54 nucleotides upstream of the final exon-exon junction). (SP) 0251 - This variant is heterozygous. (I) 0301 - Variant is absent from gnomAD (v2, v3 and v4). (SP) 0701 - Other NMD-predicted variants comparable to the one identified in this case have very strong previous evidence for pathogenicity (DECIPHER). (SP) 0801 - This variant has strong previous evidence of pathogenicity in unrelated individuals. This variant has been reported twice in ClinVar as pathogenic by clinical laboratories. This variant, and a single base deletion with the same protein outcome, c.1683del; p.(Trp561*), have been observed in individuals diagnosed with neurofibromatosis type 1 (NF1)(PMID: 31776437). Another variant with the same protein outcome, c.1682G>A; p.(Trp561*) has been reported once as pathogenic in ClinVar, and has been observed in an individual with NF1 (PMID: 27838393). (SP) Legend: (SP) - Supporting pathogenic, (I) - Information, (SB) - Supporting benign

Blueprint Genetics
Classification: Pathogenic for NF1-related disorders. Last evaluated: 2024-08-06. Review status: criteria provided, single submitter. Criteria: ACMG Guidelines, 2015. Collection method: clinical testing. Allele origin: germline. Affected: yes. Observed: 1 variant allele.

Labcorp Genetics (formerly Invitae), Labcorp
Classification: Pathogenic for Neurofibromatosis, type 1. Last evaluated: 2024-01-16. Review status: criteria provided, single submitter. Criteria: Invitae Variant Classification Sherloc (09022015). Collection method: clinical testing. Allele origin: germline.
Comment: This sequence change creates a premature translational stop signal (p.Trp561*) in the NF1 gene. It is expected to result in an absent or disrupted protein product. Loss-of-function variants in NF1 are known to be pathogenic (PMID: 10712197, 23913538). This variant is not present in population databases (gnomAD no frequency). This premature translational stop signal has been observed in individual(s) with NF1-related conditions (PMID: 28961165, 30530636, 31776437). ClinVar contains an entry for this variant (Variation ID: 431596). Algorithms developed to predict the effect of sequence changes on RNA splicing suggest that this variant may disrupt the consensus splice site. For these reasons, this variant has been classified as Pathogenic.

Medical Genetics, University of Parma
Classification: Pathogenic for Neurofibromatosis type 1. Last evaluated: 2017-02-02. Review status: no assertion criteria provided. Collection method: clinical testing. Allele origin: germline. Affected: yes. Not counted in ClinVar's aggregate classification.

Literature cited by the submitters: PubMed 28961165 (cited by Ambry Genetics and Labcorp Genetics (formerly Invitae), Labcorp); PubMed 30530636 (cited by Ambry Genetics and Labcorp Genetics (formerly Invitae), Labcorp); PubMed 31776437 (cited by 3 submitters); PubMed 20301288 (cited by Victorian Clinical Genetics Services, Murdoch Childrens Research Institute); PubMed 27838393 (cited by Victorian Clinical Genetics Services, Murdoch Childrens Research Institute); PubMed 10712197 (cited by Labcorp Genetics (formerly Invitae), Labcorp); PubMed 23913538 (cited by Labcorp Genetics (formerly Invitae), Labcorp).